The following is an entry in ClinVar:

ClinVar aggregate classification (germline): Benign/Likely benign. Review status: criteria provided, multiple submitters, no conflicts (2 of 4 stars). 4 submissions from 4 submitters: Benign (1); Likely benign (2). 1 of the submissions does not count toward it. Last evaluated 2026-01-20.

Conditions:
Autosomal recessive congenital ichthyosis 1 (LI1). Also called: ICHTHYOSIS, CONGENITAL, AUTOSOMAL RECESSIVE 1, WITH BATHING SUIT DISTRIBUTION; ICHTHYOSIS, CONGENITAL, AUTOSOMAL RECESSIVE 1, WITH OR WITHOUT BATHING SUIT DISTRIBUTION; COLLODION FETUS; DESQUAMATION OF NEWBORN; ICHTHYOSIS CONGENITA; ICHTHYOSIS CONGENITA II. Identifiers: MedGen C4551630, MONDO:0009441, OMIM 242300.

Allele frequency attached by ClinVar (database versions not stated): gnomAD 0.00010 and 0.00011; TOPMed 0.00010; 1000 Genomes Project 30x 0.00016; 1000 Genomes Project 0.00020; ExAC 0.00021; gnomAD exomes 0.00027.

Submissions (4):

Labcorp Genetics (formerly Invitae), Labcorp
Classification: Benign. Last evaluated: 2026-01-20. Review status: criteria provided, single submitter. Criteria: Invitae Variant Classification Sherloc (09022015). Collection method: clinical testing. Allele origin: germline.

CeGaT Center for Human Genetics Tuebingen
Classification: Likely benign. Last evaluated: 2022-09-01. Review status: criteria provided, single submitter. Criteria: CeGaT Center For Human Genetics Tuebingen Variant Classification Criteria Version 2. Collection method: clinical testing. Allele origin: germline. Affected: yes. Observed: 1 variant allele.
Comment: TGM1: BP4, BP7

Genome-Nilou Lab
Classification: Likely benign for Autosomal recessive congenital ichthyosis 1. Review status: criteria provided, single submitter. Criteria: ACMG Guidelines, 2015. Collection method: clinical testing. Allele origin: germline.

Natera, Inc.
Classification: Likely benign for Autosomal recessive congenital ichthyosis type 1. Last evaluated: 2020-04-23. Review status: no assertion criteria provided. Collection method: clinical testing. Allele origin: germline. Not counted in ClinVar's aggregate classification.

NM_000359.3(TGM1):c.297A>G (p.Ala99=)

Gene: TGM1 (transglutaminase 1; minus strand). Cytogenetic location: 14q12.
Variant type: single nucleotide variant.
Coding change: c.297A>G on transcript NM_000359.3 (MANE Select); coding-DNA position 297, A replaced by G.
Protein change: p.Ala99=; no amino-acid change (alanine 99 retained).
Molecular consequence: synonymous variant.
Genome position (GRCh38, 1-based): chr14:24,262,056, T>C on the plus strand (A>G on the coding strand, the complement: TGM1 is on the minus strand). VCF-style: chr14-24262056-T-C. GRCh37 (hg19) VCF-style: chr14-24731262-T-C.
Identifiers: ClinVar variation 763858 (VCV000763858.42), dbSNP rs41295340, ClinGen allele CA7131486.
Genomic context (GRCh38, chr14:24,262,056, plus strand): 5'-CTTTTAGCTCTCAGCTGAGGAGGACAGACCGGCCTCACCTCGGATGGTGCCATCTCCAGC[T>C]GCATTGACACCGCTGCCCCGGGATACAGGCCGGCGGGAGTCTGAGCCCCGGGAGCCAGGT-3'
Protein context (NP_000350.1, residues 89-109): RPVSRGSGVN[Ala99=]AGDGTIREGM